The following is an entry in ClinVar:

ClinVar aggregate classification (germline): Uncertain significance (1 of 4 stars; one submission).

Submission:

Ambry Genetics
Classification: Uncertain significance. Last evaluated: 2024-11-22. Review status: criteria provided, single submitter. Criteria: Ambry Variant Classification Scheme 2023. Collection method: clinical testing. Allele origin: germline.
Comment: The p.R374K variant (also known as c.1121G>A), located in coding exon 2 of the CDK12 gene, results from a G to A substitution at nucleotide position 1121. The arginine at codon 374 is replaced by lysine, an amino acid with highly similar properties. This amino acid position is conserved. In addition, this alteration is predicted to be tolerated by in silico analysis. Based on the available evidence, the clinical significance of this variant remains unclear.

NM_016507.4(CDK12):c.1121G>A (p.Arg374Lys)

Gene: CDK12 (cyclin dependent kinase 12; plus strand). Cytogenetic location: 17q12.
Variant type: single nucleotide variant.
Coding change: c.1121G>A on transcript NM_016507.4 (MANE Select); coding-DNA position 1121, G replaced by A.
Protein change: p.Arg374Lys; replaces arginine 374 with lysine.
Molecular consequence: missense variant.
Genome position (GRCh38, 1-based): chr17:39,470,953, G>A. VCF-style: chr17-39470953-G-A. GRCh37 (hg19) VCF-style: chr17-37627206-G-A.
Other names: c.1121G>A, p.Arg374Lys (NM_015083.4); short protein forms R374K.
Identifiers: ClinVar variation 3489242 (VCV003489242.1).